The following is an entry in ClinVar:

ClinVar aggregate classification (germline): Pathogenic/Likely pathogenic. Review status: criteria provided, multiple submitters, no conflicts (2 of 4 stars). 2 submissions from 2 submitters: Pathogenic (1); Likely pathogenic (1). Last evaluated 2021-04-24.

Conditions:
Familial thoracic aortic aneurysm and aortic dissection (TAAD). Also called: Thoracic aortic aneurysms and dissections. Identifiers: Orphanet 91387, MedGen C4707243, MONDO:0019625.

Submissions (2):

Labcorp Genetics (formerly Invitae), Labcorp
Classification: Pathogenic for Familial thoracic aortic aneurysm and aortic dissection. Last evaluated: 2021-04-24. Review status: criteria provided, single submitter. Criteria: Invitae Variant Classification Sherloc (09022015). Collection method: clinical testing. Allele origin: germline.
Comment: For these reasons, this variant has been classified as Pathogenic. This variant disrupts the p.Ala414 amino acid residue in TGFBR2. Other variant(s) that disrupt this residue have been observed in individuals with TGFBR2-related conditions (PMID: 23099432), which suggests that this may be a clinically significant amino acid residue. Advanced modeling of protein sequence and biophysical properties (such as structural, functional, and spatial information, amino acid conservation, physicochemical variation, residue mobility, and thermodynamic stability) performed at Invitae indicates that this missense variant is expected to disrupt TGFBR2 protein function. This variant has been observed in individual(s) with clinical features of TGFBR2-related conditions (PMID: 18852674, 27125181, Invitae). This variant is not present in population databases (ExAC no frequency). This sequence change replaces alanine with proline at codon 414 of the TGFBR2 protein (p.Ala414Pro). The alanine residue is highly conserved and there is a small physicochemical difference between alanine and proline.

Ambry Genetics
Classification: Likely pathogenic for Familial thoracic aortic aneurysm and aortic dissection. Last evaluated: 2017-10-31. Review status: criteria provided, single submitter. Criteria: Ambry Variant Classification Scheme 2023. Collection method: clinical testing. Allele origin: germline.
Comment: The p.A414P variant (also known as c.1240G>C), located in coding exon 4 of the TGFBR2 gene, results from a G to C substitution at nucleotide position 1240. The alanine at codon 414 is replaced by proline, an amino acid with highly similar properties, and is located in a protein kinase domain. This alteration has been reported in individuals with Loeys-Dietz syndrome and in a cohort of individuals with isolated thoracic aortic aneurysm/dissections (TAAD) (Maleszewski JJ et al. Am. J. Surg. Pathol., 2009 Feb;33:194-201; Braverman AC et al. Am. J. Med. Genet. A, 2016 Aug;170:2177-80; Jondeau G et al. Circ Cardiovasc Genet, 2016 Dec;9:548-558). This amino acid position is highly conserved in available vertebrate species. In addition, this alteration is predicted to be deleterious by in silico analysis. Based on the majority of available evidence to date, this variant is likely to be pathogenic.

Literature cited by the submitters: PubMed 23099432 (cited by Labcorp Genetics (formerly Invitae), Labcorp); PubMed 18852674 (cited by Labcorp Genetics (formerly Invitae), Labcorp and Ambry Genetics); PubMed 27125181 (cited by Labcorp Genetics (formerly Invitae), Labcorp and Ambry Genetics); PubMed 27879313 (cited by Ambry Genetics).

NM_003242.6(TGFBR2):c.1240G>C (p.Ala414Pro)

Gene: TGFBR2 (transforming growth factor beta receptor 2; plus strand). Cytogenetic location: 3p24.1.
Variant type: single nucleotide variant.
Coding change: c.1240G>C on transcript NM_003242.6 (MANE Select); coding-DNA position 1240, G replaced by C.
Protein change: p.Ala414Pro; replaces alanine 414 with proline.
Molecular consequence: missense variant.
Genome position (GRCh38, 1-based): chr3:30,672,423, G>C. VCF-style: chr3-30672423-G-C. GRCh37 (hg19) VCF-style: chr3-30713915-G-C.
Other names: c.1315G>C, p.Ala439Pro (NM_001024847.3); c.1423G>C, p.Ala475Pro (NM_001407126.1); c.1348G>C, p.Ala450Pro (NM_001407127.1); c.1267G>C, p.Ala423Pro (NM_001407128.1); c.1243G>C, p.Ala415Pro (NM_001407129.1); c.1240G>C, p.Ala414Pro (NM_001407130.1); c.1135G>C, p.Ala379Pro (NM_001407132.1, NM_001407133.1, NM_001407134.1 and 2 more transcripts); c.955G>C, p.Ala319Pro (NM_001407137.1); and 1 more; short protein forms A414P, A439P, A294P, A379P, A475P, A319P, A415P, A423P.
Identifiers: ClinVar variation 1458510 (VCV001458510.11), dbSNP rs2125437095, ClinGen allele CA351808824.
Genomic context (GRCh38, chr3:30,672,423, plus strand): 5'-TGCCTGTGTGACTTTGGGCTTTCCCTGCGTCTGGACCCTACTCTGTCTGTGGATGACCTG[G>C]CTAACAGTGGGCAGGTAAGTTAGAGCTAGTGCTAGATCCCCTTTACCTTGAGCCTGGCCT-3'
Protein context (NP_003233.4, residues 404-424): LDPTLSVDDL[Ala414Pro]NSGQVGTARY